The following is an entry in ClinVar:

NM_002474.3(MYH11):c.3379C>G (p.Leu1127Val)

Gene: MYH11 (myosin heavy chain 11; minus strand). Cytogenetic location: 16p13.11.
Variant type: single nucleotide variant.
Coding change: c.3379C>G on transcript NM_002474.3 (MANE Select); coding-DNA position 3379, C replaced by G.
Protein change: p.Leu1127Val; replaces leucine 1127 with valine.
Molecular consequence: missense variant.
Genome position (GRCh38, 1-based): chr16:15,735,493, G>C on the plus strand (C>G on the coding strand, the complement: MYH11 is on the minus strand). VCF-style: chr16-15735493-G-C. GRCh37 (hg19) VCF-style: chr16-15829350-G-C.
Other names: c.3400C>G, p.Leu1134Val (NM_001040113.2, NM_001040114.2); c.3379C>G, p.Leu1127Val (NM_022844.3); c.3379C>G (NM_002474.2); short protein forms L1134V, L1127V.
Identifiers: ClinVar variation 465724 (VCV000465724.15), dbSNP rs886038854, ClinGen allele CA394861996.

ClinVar aggregate classification (germline): Uncertain significance. Review status: criteria provided, multiple submitters, no conflicts (2 of 4 stars). 6 submissions from 6 submitters: Uncertain significance (6). Last evaluated 2025-06-04.

Conditions:
Megacystis-microcolon-intestinal hypoperistalsis syndrome 2. Identifiers: MedGen C5543476, MONDO:0025708, OMIM 619351.
Aortic aneurysm, familial thoracic 4 (AAT4). Also called: AORTIC ANEURYSM/AORTIC DISSECTION AND PATENT DUCTUS ARTERIOSUS. Identifiers: MedGen C1851504, MONDO:0007568, OMIM 132900.
Visceral myopathy 2. Identifiers: MedGen C5543466, MONDO:0859157, OMIM 619350.
Familial thoracic aortic aneurysm and aortic dissection (TAAD). Also called: Thoracic aortic aneurysms and dissections. Identifiers: Orphanet 91387, MedGen C4707243, MONDO:0019625.

gnomAD v4.1: 9 of 1,614,120 alleles (0.00056%); highest among the groups gnomAD compares: Non-Finnish European, 0.00076%; no homozygotes.

Submissions (6):

Institute of Immunology and Genetics Kaiserslautern
Classification: Uncertain significance for Aortic aneurysm, familial thoracic 4. Last evaluated: 2025-06-04. Review status: criteria provided, single submitter. Criteria: ACMG Guidelines, 2015. Collection method: clinical testing. Allele origin: germline. Affected: yes.
Comment: ACMG Criteria: PM2, PP3, PP4; Variant was found in heterozygous state.

Labcorp Genetics (formerly Invitae), Labcorp
Classification: Uncertain significance for Aortic aneurysm, familial thoracic 4. Last evaluated: 2024-11-11. Review status: criteria provided, single submitter. Criteria: Invitae Variant Classification Sherloc (09022015). Collection method: clinical testing. Allele origin: germline.
Comment: This sequence change replaces leucine, which is neutral and non-polar, with valine, which is neutral and non-polar, at codon 1134 of the MYH11 protein (p.Leu1134Val). This variant is not present in population databases (gnomAD no frequency). This variant has not been reported in the literature in individuals affected with MYH11-related conditions. ClinVar contains an entry for this variant (Variation ID: 465724). Invitae Evidence Modeling of protein sequence and biophysical properties (such as structural, functional, and spatial information, amino acid conservation, physicochemical variation, residue mobility, and thermodynamic stability) indicates that this missense variant is not expected to disrupt MYH11 protein function with a negative predictive value of 95%. In summary, the available evidence is currently insufficient to determine the role of this variant in disease. Therefore, it has been classified as a Variant of Uncertain Significance.

GeneDx
Classification: Uncertain significance. Last evaluated: 2024-11-07. Review status: criteria provided, single submitter. Criteria: GeneDx Variant Classification Process June 2021. Collection method: clinical testing. Allele origin: germline. Affected: yes.
Comment: Not observed at significant frequency in large population cohorts (gnomAD); In silico analysis supports that this missense variant has a deleterious effect on protein structure/function; Has not been previously published as pathogenic or benign to our knowledge

Ambry Genetics
Classification: Uncertain significance for Familial thoracic aortic aneurysm and aortic dissection. Last evaluated: 2023-09-25. Review status: criteria provided, single submitter. Criteria: Ambry Variant Classification Scheme 2023. Collection method: clinical testing. Allele origin: germline.

All of Us Research Program, National Institutes of Health
Classification: Uncertain significance for Familial thoracic aortic aneurysm and aortic dissection. Last evaluated: 2023-08-23. Review status: criteria provided, single submitter. Criteria: ACMG Guidelines, 2015. Collection method: clinical testing. Allele origin: germline. Inheritance: Autosomal dominant inheritance. Observed: 1 variant allele, 1 heterozygote.
Comment: This missense variant replaces leucine with valine at codon 1134 of the MYH11 protein. Computational prediction is inconclusive regarding the impact of this variant on protein structure and function (internally defined REVEL score threshold 0.5 < inconclusive < 0.7, PMID: 27666373). To our knowledge, functional studies have not been reported for this variant. This variant has not been reported in individuals affected with MYH11-related disorders in the literature. This variant has not been identified in the general population by the Genome Aggregation Database (gnomAD). The available evidence is insufficient to determine the role of this variant in disease conclusively. Therefore, this variant is classified as a Variant of Uncertain Significance.

This study involves interpretation of variants in research participants for the purpose of population health screening. Participant phenotype was not available at the time of variant classification. Additional details can be found in publication PMID: 35346344, PMCID: PMC8962531

Fulgent Genetics
Classification: Uncertain significance for Aortic aneurysm, familial thoracic 4; Visceral myopathy 2; Megacystis-microcolon-intestinal hypoperistalsis syndrome 2. Last evaluated: 2021-08-31. Review status: criteria provided, single submitter. Criteria: ACMG Guidelines, 2015. Collection method: clinical testing. Allele origin: unknown.